The following is an entry in ClinVar:

ClinVar aggregate classification (germline): Conflicting classifications of pathogenicity. Review status: criteria provided, conflicting classifications (1 of 4 stars). 8 submissions from 8 submitters: Uncertain significance (4); Benign (1); Likely benign (3). Last evaluated 2026-09-01.

Conditions:
Cardiovascular phenotype. Identifiers: MedGen CN230736.
Familial hypercholesterolemia. Also called: Familial hypercholesterolaemia; Familial hypercholesterolemias. Identifiers: MedGen C0020445, MONDO:0005439.
Alzheimer disease 4 (AD4). Identifiers: Orphanet 1020, MedGen C1847200, MONDO:0011743, OMIM 606889.

Allele frequency attached by ClinVar (database versions not stated): 1000 Genomes Project 0.00080; gnomAD 0.00195 and 0.00199; gnomAD exomes 0.00251 and 0.00202; TOPMed 0.00130; ExAC 0.00242; 1000 Genomes Project 30x 0.00094.
gnomAD v4.1: 3,254 of 1,614,020 alleles (0.2%); highest among the groups gnomAD compares: Non-Finnish European, 0.21%; 6 homozygotes.

Submissions (8):

CeGaT Center for Human Genetics Tuebingen
Classification: Likely benign. Last evaluated: 2026-09-01. Review status: criteria provided, single submitter. Criteria: CeGaT Center For Human Genetics Tuebingen Variant Classification Criteria Version 2. Collection method: clinical testing. Allele origin: germline. Affected: yes. Observed: 13 variant alleles.
Comment: APOE: BS1

Cambridge Genomics Laboratory, East Genomic Laboratory Hub, NHS Genomic Medicine Service
Classification: Uncertain significance for Familial hypercholesterolaemia. Last evaluated: 2026-07-31. Review status: criteria provided, single submitter. Criteria: ACGS Best Practice Guidelines for Variant Classification in Rare Disease 2020. Collection method: clinical testing. Allele origin: germline. Affected: yes.
Comment: BS1_Strong

Mayo Clinic Laboratories, Mayo Clinic
Classification: Uncertain significance. Last evaluated: 2025-05-07. Review status: criteria provided, single submitter. Criteria: ACMG Guidelines, 2015. Collection method: clinical testing. Allele origin: germline. Observed: 5 variant alleles.

AiLife Diagnostics
Classification: Uncertain significance. Last evaluated: 2021-05-12. Review status: criteria provided, single submitter. Criteria: ACMG Guidelines, 2015. Collection method: clinical testing. Allele origin: germline. Affected: yes. Observed: 1 variant allele.

Ambry Genetics
Classification: Likely benign for Cardiovascular phenotype. Last evaluated: 2020-07-08. Review status: criteria provided, single submitter. Criteria: Ambry Variant Classification Scheme 2023. Collection method: clinical testing. Allele origin: germline.

GeneDx
Classification: Benign. Last evaluated: 2020-03-24. Review status: criteria provided, single submitter. Criteria: GeneDx Variant Classification Process June 2021. Collection method: clinical testing. Allele origin: germline. Affected: yes.
Comment: This variant is associated with the following publications: (PMID: 24126160, 24082139, 11068149, 22530123, 10213152, 23990795, 26802169, 16621646, 26206375, 24644280)

Labcorp Genetics (formerly Invitae), Labcorp
Classification: Likely benign. Last evaluated: 2019-12-31. Review status: criteria provided, single submitter. Criteria: Invitae Variant Classification Sherloc (09022015). Collection method: clinical testing. Allele origin: germline.

Centre for Mendelian Genomics, University Medical Centre Ljubljana
Classification: Uncertain significance for Alzheimer disease 4. Last evaluated: 2016-01-01. Review status: criteria provided, single submitter. Criteria: ACMG Guidelines, 2015. Collection method: clinical testing. Allele origin: unknown. Affected: yes.
Comment: This variant was classified as: Uncertain significance. The following ACMG criteria were applied in classifying this variant: PS3.

Literature cited by the submitters: PubMed 10213152 (cited by 3 submitters); PubMed 11068149 (cited by 3 submitters); PubMed 16621646 (cited by Mayo Clinic Laboratories, Mayo Clinic and Ambry Genetics); PubMed 24644280 (cited by 3 submitters); PubMed 26802169 (cited by Mayo Clinic Laboratories, Mayo Clinic and Ambry Genetics); PubMed 35339733 (cited by Mayo Clinic Laboratories, Mayo Clinic); PubMed 35628605 (cited by Mayo Clinic Laboratories, Mayo Clinic); PubMed 36528961 (cited by Mayo Clinic Laboratories, Mayo Clinic); PubMed 37128917 (cited by Mayo Clinic Laboratories, Mayo Clinic); PubMed 24082139 (cited by AiLife Diagnostics); PubMed 32058863 (cited by Ambry Genetics).

NM_000041.4(APOE):c.137T>C (p.Leu46Pro)

Gene: APOE (apolipoprotein E; plus strand). Cytogenetic location: 19q13.32.
Variant type: single nucleotide variant.
Coding change: c.137T>C on transcript NM_000041.4 (MANE Select); coding-DNA position 137, T replaced by C.
Protein change: p.Leu46Pro; replaces leucine 46 with proline.
Molecular consequence: missense variant.
Genome position (GRCh38, 1-based): chr19:44,907,853, T>C. VCF-style: chr19-44907853-T-C. GRCh37 (hg19) VCF-style: chr19-45411110-T-C.
Other names: L28P; c.215T>C, p.Leu72Pro (NM_001302688.2); c.137T>C, p.Leu46Pro (NM_001302689.2, NM_001302690.2, NM_001302691.2); short protein forms L46P, L72P.
Identifiers: ClinVar variation 242765 (VCV000242765.54), dbSNP rs769452, ClinGen allele CA041808.
Genomic context (GRCh38, chr19:44,907,853, plus strand): 5'-CAGAGCCGGAGCCCGAGCTGCGCCAGCAGACCGAGTGGCAGAGCGGCCAGCGCTGGGAAC[T>C]GGCACTGGGTCGCTTTTGGGATTACCTGCGCTGGGTGCAGACACTGTCTGAGCAGGTGCA-3'
Protein context (NP_000032.1, residues 36-56): TEWQSGQRWE[Leu46Pro]ALGRFWDYLR